The following is an entry in ClinVar:

NM_003384.3(VRK1):c.34_37del (p.Gln12fs)

Gene: VRK1 (VRK serine/threonine kinase 1; plus strand). Cytogenetic location: 14q32.2.
Variant type: Deletion.
Coding change: c.34_37del on transcript NM_003384.3 (MANE Select); coding-DNA positions 34 to 37, 4 bases deleted (CAGA; older notation c.34_37delCAGA).
Protein change: p.Gln12fs; shifts the reading frame from glutamine 12.
Molecular consequence: frameshift variant.
Genome position (GRCh38, 1-based): chr14:96,833,505-96,833,508, CAGA deleted; deleting any 4 consecutive bases within chr14:96,833,502-96,833,508 gives the same sequence; the c. name uses the placement nearest the transcript's 3' end. VCF-style (leftmost placement, unchanged base first): chr14-96833501-AAGAC-A. GRCh37 (hg19) VCF-style: chr14-97299838-AAGAC-A.
Other names: c.34_37del, p.Gln12fs (NM_001411051.1, NM_001411053.1); short protein forms Q12fs.
Identifiers: ClinVar variation 4815117 (VCV004815117.1).

ClinVar aggregate classification (germline): Likely pathogenic (1 of 4 stars; one submission).

Conditions:
Pontocerebellar hypoplasia type 1A (PCH1A). Also called: PONTOCEREBELLAR HYPOPLASIA WITH ANTERIOR HORN CELL DISEASE; PONTOCEREBELLAR HYPOPLASIA WITH INFANTILE SPINAL MUSCULAR ATROPHY. Identifiers: Orphanet 2254, Orphanet 88616, MedGen C1843504, MONDO:0011866, OMIM 607596.

Submission:

Natera, Inc.
Classification: Likely pathogenic for Pontocerebellar hypoplasia, type 1a. Last evaluated: 2025-08-31. Review status: criteria provided, single submitter. Criteria: Natera Variant Classification Schema (03/2026). Collection method: clinical testing. Allele origin: germline.
Comment: The c.34_37del variant in VRK1 is a frameshift variant predicted to shift the reading frame beginning at codon 12 and leads to a stop codon 16 codons downstream. This variant is expected to result in nonsense mediated decay, truncation, or a dysfunctional protein product. This variant is rare in the general population with a frequency below the threshold expected for the associated phenotype(s). Given the available evidence, this variant is classified as Likely Pathogenic.